The following is an entry in ClinVar:

ClinVar aggregate classification (germline): Uncertain significance (1 of 4 stars; one submission).

Allele frequency attached by ClinVar (database versions not stated): gnomAD exomes below 0.00001; TOPMed below 0.00001; gnomAD 0.00001.
gnomAD v4.1: 3 of 1,464,322 alleles (0.0002%); highest among the groups gnomAD compares: Admixed American, 0.0024%; no homozygotes.

Submission:

CeGaT Center for Human Genetics Tuebingen
Classification: Uncertain significance. Last evaluated: 2024-04-01. Review status: criteria provided, single submitter. Criteria: CeGaT Center For Human Genetics Tuebingen Variant Classification Criteria Version 2. Collection method: clinical testing. Allele origin: germline. Affected: yes. Observed: 1 variant allele.
Comment: HACD1: PM2

NM_014241.4(HACD1):c.59C>T (p.Ala20Val)

Genes: HACD1 (3-hydroxyacyl-CoA dehydratase 1; minus strand), LOC130003454 (ATAC-STARR-seq lymphoblastoid silent region 2183; plus strand). Cytogenetic location: 10p12.33.
Variant type: single nucleotide variant.
Coding change: c.59C>T on transcript NM_014241.4 (MANE Select); coding-DNA position 59, C replaced by T.
Protein change: p.Ala20Val; replaces alanine 20 with valine.
Molecular consequence: missense variant.
Genome position (GRCh38, 1-based): chr10:17,617,281, G>A on the plus strand (C>T on the coding strand, the complement: HACD1 is on the minus strand). VCF-style: chr10-17617281-G-A. GRCh37 (hg19) VCF-style: chr10-17659280-G-A.
Other names: short protein forms A20V.
Identifiers: ClinVar variation 2640334 (VCV002640334.24), dbSNP rs1833106744, ClinGen allele CA376209211.